The following is an entry in ClinVar:

NM_000718.4(CACNA1B):c.4370G>A (p.Arg1457Gln)

Gene: CACNA1B (calcium voltage-gated channel subunit alpha1 B; plus strand). Cytogenetic location: 9q34.3.
Variant type: single nucleotide variant.
Coding change: c.4370G>A on transcript NM_000718.4 (MANE Select); coding-DNA position 4370, G replaced by A.
Protein change: p.Arg1457Gln; replaces arginine 1457 with glutamine.
Molecular consequence: missense variant.
Genome position (GRCh38, 1-based): chr9:138,058,630, G>A. VCF-style: chr9-138058630-G-A. GRCh37 (hg19) VCF-style: chr9-140953082-G-A.
Other names: c.4370G>A, p.Arg1457Gln (NM_001243812.2); short protein forms R1457Q.
Identifiers: ClinVar variation 1919742 (VCV001919742.5), dbSNP rs1445632261, ClinGen allele CA375814531.

ClinVar aggregate classification (germline): Uncertain significance (1 of 4 stars; one submission).

Allele frequency attached by ClinVar (database versions not stated): gnomAD 0.00001; TOPMed 0.00001; gnomAD exomes 0.00002.
gnomAD v4.1: 35 of 1,613,788 alleles (0.0022%); highest among the groups gnomAD compares: Non-Finnish European, 0.0027%; no homozygotes.

Submission:

Labcorp Genetics (formerly Invitae), Labcorp
Classification: Uncertain significance. Last evaluated: 2024-01-15. Review status: criteria provided, single submitter. Criteria: Invitae Variant Classification Sherloc (09022015). Collection method: clinical testing. Allele origin: germline.
Comment: This sequence change replaces arginine, which is basic and polar, with glutamine, which is neutral and polar, at codon 1457 of the CACNA1B protein (p.Arg1457Gln). This variant is present in population databases (no rsID available, gnomAD 0.003%). This variant has not been reported in the literature in individuals affected with CACNA1B-related conditions. ClinVar contains an entry for this variant (Variation ID: 1919742). Advanced modeling of protein sequence and biophysical properties (such as structural, functional, and spatial information, amino acid conservation, physicochemical variation, residue mobility, and thermodynamic stability) performed at Invitae indicates that this missense variant is not expected to disrupt CACNA1B protein function with a negative predictive value of 80%. In summary, the available evidence is currently insufficient to determine the role of this variant in disease. Therefore, it has been classified as a Variant of Uncertain Significance.